The following is an entry in ClinVar:

NM_000256.3(MYBPC3):c.3647A>C (p.Lys1216Thr)

Gene: MYBPC3 (myosin binding protein C3; minus strand). Cytogenetic location: 11p11.2.
Variant type: single nucleotide variant.
Coding change: c.3647A>C on transcript NM_000256.3 (MANE Select); coding-DNA position 3647, A replaced by C.
Protein change: p.Lys1216Thr; replaces lysine 1216 with threonine.
Molecular consequence: missense variant.
Genome position (GRCh38, 1-based): chr11:47,332,239, T>G on the plus strand (A>C on the coding strand, the complement: MYBPC3 is on the minus strand). VCF-style: chr11-47332239-T-G. GRCh37 (hg19) VCF-style: chr11-47353790-T-G.
Other names: short protein forms K1216T.
Identifiers: ClinVar variation 864791 (VCV000864791.7), dbSNP rs1595840860, ClinGen allele CA380311836.

ClinVar aggregate classification (germline): Uncertain significance. Review status: criteria provided, multiple submitters, no conflicts (2 of 4 stars). 2 submissions from 2 submitters: Uncertain significance (2). Last evaluated 2025-05-22.

Conditions:
Hypertrophic cardiomyopathy. Also called: HYPERTROPHIC MYOCARDIOPATHY. Identifiers: Orphanet 217569, MedGen C0007194, MeSH D002312, MONDO:0005045, HP:0001639.

Allele frequency attached by ClinVar (database versions not stated): gnomAD exomes below 0.00001.
gnomAD v4.1: 2 of 1,613,804 alleles (0.00012%); highest among the groups gnomAD compares: Non-Finnish European, 0.00017%; no homozygotes.

Submissions (2):

Labcorp Genetics (formerly Invitae), Labcorp
Classification: Uncertain significance for Hypertrophic cardiomyopathy. Last evaluated: 2025-05-22. Review status: criteria provided, single submitter. Criteria: Invitae Variant Classification Sherloc (09022015). Collection method: clinical testing. Allele origin: germline.
Comment: This sequence change replaces lysine, which is basic and polar, with threonine, which is neutral and polar, at codon 1216 of the MYBPC3 protein (p.Lys1216Thr). This variant is not present in population databases (gnomAD no frequency). This variant has not been reported in the literature in individuals affected with MYBPC3-related conditions. ClinVar contains an entry for this variant (Variation ID: 864791). An algorithm developed to predict the effect of missense changes on protein structure and function (PolyPhen-2) suggests that this variant is likely to be disruptive. In summary, the available evidence is currently insufficient to determine the role of this variant in disease. Therefore, it has been classified as a Variant of Uncertain Significance.

GeneDx
Classification: Uncertain significance. Last evaluated: 2025-03-03. Review status: criteria provided, single submitter. Criteria: GeneDx Variant Classification Process June 2021. Collection method: clinical testing. Allele origin: germline. Affected: yes.
Comment: Not observed at significant frequency in large population cohorts (gnomAD); In silico analysis supports that this missense variant has a deleterious effect on protein structure/function; Has not been previously published as pathogenic or benign to our knowledge